The following is an entry in ClinVar:

ClinVar aggregate classification (germline): Uncertain significance (1 of 4 stars; one submission).

Submission:

Labcorp Genetics (formerly Invitae), Labcorp
Classification: Uncertain significance. Last evaluated: 2022-08-31. Review status: criteria provided, single submitter. Criteria: Invitae Variant Classification Sherloc (09022015). Collection method: clinical testing. Allele origin: germline.
Comment: This variant, c.877_900del, results in the deletion of 8 amino acid(s) of the HMX1 protein (p.Ala293_Ala300del), but otherwise preserves the integrity of the reading frame. This variant is present in population databases (no rsID available, gnomAD 0.007%). This variant has not been reported in the literature in individuals affected with HMX1-related conditions. ClinVar contains an entry for this variant (Variation ID: 1444540). Experimental studies and prediction algorithms are not available or were not evaluated, and the functional significance of this variant is currently unknown. In summary, the available evidence is currently insufficient to determine the role of this variant in disease. Therefore, it has been classified as a Variant of Uncertain Significance.

NM_018942.3(HMX1):c.877_900del (p.Ala293_Ala300del)

Gene: HMX1 (H6 family homeobox 1; minus strand). Cytogenetic location: 4p16.1.
Variant type: Deletion.
Coding change: c.877_900del on transcript NM_018942.3 (MANE Select); coding-DNA positions 877 to 900, 24 bases deleted (GCAGCCGCCGCTGGGCCCCCGGCC).
Protein change: p.Ala293_Ala300del.
Molecular consequence: inframe deletion. On other transcripts: intron variant (1).
Genome position (GRCh38, 1-based): chr4:8,867,840-8,867,863, GGCCGGGGGCCCAGCGGCGGCTGC deleted on the plus strand (GCAGCCGCCGCTGGGCCCCCGGCC on the coding strand, the reverse complement: HMX1 is on the minus strand); deleting any 24 consecutive bases within chr4:8,867,840-8,867,872 gives the same sequence; the c. name uses the placement nearest the transcript's 3' end. VCF-style (leftmost placement, unchanged base first): chr4-8867839-TGGCCGGGGGCCCAGCGGCGGCTGC-T. GRCh37 (hg19) VCF-style: chr4-8869565-TGGCCGGGGGCCCAGCGGCGGCTGC-T.
Other names: c.394+3358_394+3381del (NM_001306142.2).
Identifiers: ClinVar variation 1444540 (VCV001444540.3), dbSNP rs1011420309, ClinGen allele CA92349783.